The following is an entry in ClinVar:

NM_004006.3(DMD):c.1842del (p.Lys614fs)

Gene: DMD (dystrophin; minus strand). Cytogenetic location: Xp21.1.
Variant type: Deletion.
Coding change: c.1842del on transcript NM_004006.3 (MANE Select); coding-DNA position 1842, one base deleted (G; older notation c.1842delG).
Protein change: p.Lys614fs; shifts the reading frame from lysine 614.
Molecular consequence: frameshift variant.
Genome position (GRCh38, 1-based): chrX:32,565,852, C deleted on the plus strand (G on the coding strand, the reverse complement: DMD is on the minus strand). VCF-style (leftmost placement, unchanged base first): chrX-32565851-GC-G. GRCh37 (hg19) VCF-style: chrX-32583968-GC-G.
Other names: c.1818del, p.Lys606fs (NM_000109.4); c.1842delG, p.Lys614Asnfs (NM_004006.2); c.1830del, p.Lys610fs (NM_004009.3); c.1473del, p.Lys491fs (NM_004010.3); short protein forms K491fs, K606fs, K610fs, K614fs.
Identifiers: ClinVar variation 4891498 (VCV004891498.1).

ClinVar aggregate classification (germline): Pathogenic (1 of 4 stars; one submission).

Submission:

GeneDx
Classification: Pathogenic. Last evaluated: 2026-01-21. Review status: criteria provided, single submitter. Criteria: GeneDx Variant Classification Process June 2021. Collection method: clinical testing. Allele origin: germline.
Comment: Frameshift variant predicted to result in protein truncation or nonsense mediated decay in a gene for which loss of function is a known mechanism of disease; Not observed at significant frequency in large population cohorts (gnomAD); This variant is associated with the following publications: (PMID: 37254189)